The following is an entry in ClinVar:

ClinVar aggregate classification (germline): Uncertain significance (1 of 4 stars; one submission).

Conditions:
Inborn genetic diseases. Identifiers: MedGen C0950123, MeSH D030342.

Submission:

Ambry Genetics
Classification: Uncertain significance for Inborn genetic diseases. Last evaluated: 2026-04-22. Review status: criteria provided, single submitter. Criteria: Ambry Variant Classification Scheme 2023. Collection method: clinical testing. Allele origin: germline.
Comment: The p.E716K variant (also known as c.2146G>A), located in coding exon 12 of the BMPR2 gene, results from a G to A substitution at nucleotide position 2146. The glutamic acid at codon 716 is replaced by lysine, an amino acid with similar properties. This amino acid position is conserved. In addition, this alteration is predicted to be deleterious by in silico analysis. Based on the available evidence, the clinical significance of this variant remains unclear.

NM_001204.7(BMPR2):c.2146G>A (p.Glu716Lys)

Gene: BMPR2 (bone morphogenetic protein receptor type 2; plus strand). Cytogenetic location: 2q33.2.
Variant type: single nucleotide variant.
Coding change: c.2146G>A on transcript NM_001204.7 (MANE Select); coding-DNA position 2146, G replaced by A.
Protein change: p.Glu716Lys; replaces glutamic acid 716 with lysine.
Molecular consequence: missense variant.
Genome position (GRCh38, 1-based): chr2:202,555,811, G>A. VCF-style: chr2-202555811-G-A. GRCh37 (hg19) VCF-style: chr2-203420534-G-A.
Other names: short protein forms E716K.
Identifiers: ClinVar variation 4867609 (VCV004867609.1).
Genomic context (GRCh38, chr2:202,555,811, plus strand): 5'-CCAGACCCACTGAGCAGTACTAGTTCTAGCTTGCTTTACCCACTCATAAAACTTGCAGTA[G>A]AAGCAACTGGACAGCAGGACTTCACACAGACTGCAAATGGCCAAGCATGTTTGATTCCTG-3'
Protein context (NP_001195.2, residues 706-726): LLYPLIKLAV[Glu716Lys]ATGQQDFTQT